The following is an entry in ClinVar:

NM_001136472.2(LITAF):c.385G>A (p.Ala129Thr)

Gene: LITAF (lipopolysaccharide induced TNF factor; minus strand). Cytogenetic location: 16p13.13.
Variant type: single nucleotide variant.
Coding change: c.385G>A on transcript NM_001136472.2 (MANE Select); coding-DNA position 385, G replaced by A.
Protein change: p.Ala129Thr; replaces alanine 129 with threonine.
Molecular consequence: missense variant. On other transcripts: 3 prime UTR variant (1), non-coding transcript variant (1).
Genome position (GRCh38, 1-based): chr16:11,549,738, C>T on the plus strand (G>A on the coding strand, the complement: LITAF is on the minus strand). VCF-style: chr16-11549738-C-T. GRCh37 (hg19) VCF-style: chr16-11643594-C-T.
Other names: c.*24G>A (NM_001136473.1); c.385G>A, p.Ala129Thr (NM_004862.4); short protein forms A129T.
Identifiers: ClinVar variation 208245 (VCV000208245.11), dbSNP rs797044847, ClinGen allele CA347358.
Genomic context (GRCh38, chr16:11,549,738, plus strand): 5'-GACAGTAATGGTCCACGTCCTGCAGGGCATCCACGCAGAAGGGGATGAAGCAGCAGCCCG[C>T]TATGCACCTGGGAGGAGAGAGAGACACACGGAGCGCGTTACTGATCACAACAGGGTGAAC-3'
Protein context (NP_001129944.1, residues 119-139): CGSLCLLGCI[Ala129Thr]GCCFIPFCVD

ClinVar aggregate classification (germline): Uncertain significance. Review status: criteria provided, single submitter (1 of 4 stars). 3 submissions from 3 submitters: Uncertain significance (1). 2 of the submissions do not count toward it. Last evaluated 2021-04-16.

Conditions:
Charcot-Marie-Tooth disease. Also called: Charcot-Marie-Tooth Neuropathy; Charcot-Marie-Tooth Hereditary Neuropathy. Identifiers: Orphanet 166, MedGen C0007959, MONDO:0015626.
Charcot-Marie-Tooth disease type 1C. Also called: Charcot-Marie-Tooth disease, type IC; CMT, SLOW NERVE CONDUCTION TYPE C; CHARCOT-MARIE-TOOTH DISEASE, DEMYELINATING, TYPE 1C; CHARCOT-MARIE-TOOTH NEUROPATHY, TYPE 1C; NEUROPATHY, HEREDITARY MOTOR AND SENSORY, TYPE IC; HMSN IC. Identifiers: Orphanet 101083, MedGen C0270913, MONDO:0010995, OMIM 601098.

Submissions (3):

Labcorp Genetics (formerly Invitae), Labcorp
Classification: Uncertain significance for Charcot-Marie-Tooth disease type 1C. Last evaluated: 2021-04-16. Review status: criteria provided, single submitter. Criteria: Invitae Variant Classification Sherloc (09022015). Collection method: clinical testing. Allele origin: germline.
Comment: Algorithms developed to predict the effect of missense changes on protein structure and function (SIFT, PolyPhen-2, Align-GVGD) all suggest that this variant is likely to be tolerated, but these predictions have not been confirmed by published functional studies and their clinical significance is uncertain. In summary, the available evidence is currently insufficient to determine the role of this variant in disease. Therefore, it has been classified as a Variant of Uncertain Significance. This variant has been observed in individual(s) with clinical features of Charcot-Marie-Tooth disease (PMID: 24844793). ClinVar contains an entry for this variant (Variation ID: 208245). This variant is not present in population databases (ExAC no frequency). This sequence change replaces alanine with threonine at codon 129 of the LITAF protein (p.Ala129Thr). The alanine residue is weakly conserved and there is a small physicochemical difference between alanine and threonine.

GeneReviews
No classification provided. Condition: Charcot-Marie-Tooth disease type 1C. Review status: no classification provided. Collection method: literature only. Allele origin: germline. Affected: yes. Not counted in ClinVar's aggregate classification.

Inherited Neuropathy Consortium
Classification: Uncertain significance for Charcot-Marie-Tooth disease. Review status: no assertion criteria provided. Collection method: literature only. Allele origin: germline. Affected: yes. Not counted in ClinVar's aggregate classification.

Literature cited by the submitters: PubMed 24844793 (cited by Labcorp Genetics (formerly Invitae), Labcorp and Inherited Neuropathy Consortium); NCBI Bookshelf NBK1205 (cited by GeneReviews).